The following is an entry in ClinVar:

NM_003738.5(PTCH2):c.2432G>A (p.Arg811His)

Gene: PTCH2 (patched 2; minus strand). Cytogenetic location: 1p34.1.
Variant type: single nucleotide variant.
Coding change: c.2432G>A on transcript NM_003738.5 (MANE Select); coding-DNA position 2432, G replaced by A.
Protein change: p.Arg811His; replaces arginine 811 with histidine.
Molecular consequence: missense variant.
Genome position (GRCh38, 1-based): chr1:44,827,249, C>T on the plus strand (G>A on the coding strand, the complement: PTCH2 is on the minus strand). VCF-style: chr1-44827249-C-T. GRCh37 (hg19) VCF-style: chr1-45292921-C-T.
Other names: c.2432G>A (NM_003738.4); c.2432G>A, p.Arg811His (NM_001166292.2); short protein forms R811H.
Identifiers: ClinVar variation 1516835 (VCV001516835.9), dbSNP rs112613379, ClinGen allele CA823001.

ClinVar aggregate classification (germline): Uncertain significance. Review status: criteria provided, multiple submitters, no conflicts (2 of 4 stars). 2 submissions from 2 submitters: Uncertain significance (2). Last evaluated 2025-11-20.

Conditions:
Gorlin syndrome. Also called: Basal cell nevus syndrome; Nevoid Basal Cell Carcinoma Syndrome. Identifiers: Orphanet 377, MedGen C0004779, MONDO:0007187.

Allele frequency attached by ClinVar (database versions not stated): ExAC 0.00007; ESP Exome Variant Server 0.00008; gnomAD 0.00016 and 0.00018; 1000 Genomes Project 0.00040; 1000 Genomes Project 30x 0.00047.
gnomAD v4.1: 77 of 1,614,164 alleles (0.0048%); highest among the groups gnomAD compares: African/African-American, 0.064%; no homozygotes.

Submissions (2):

Ambry Genetics
Classification: Uncertain significance. Last evaluated: 2025-11-20. Review status: criteria provided, single submitter. Criteria: Ambry Variant Classification Scheme 2023. Collection method: clinical testing. Allele origin: germline.

Labcorp Genetics (formerly Invitae), Labcorp
Classification: Uncertain significance for Gorlin syndrome. Last evaluated: 2024-10-09. Review status: criteria provided, single submitter. Criteria: Invitae Variant Classification Sherloc (09022015). Collection method: clinical testing. Allele origin: germline.
Comment: This sequence change replaces arginine, which is basic and polar, with histidine, which is basic and polar, at codon 811 of the PTCH2 protein (p.Arg811His). This variant is present in population databases (rs112613379, gnomAD 0.06%), and has an allele count higher than expected for a pathogenic variant. This variant has not been reported in the literature in individuals affected with PTCH2-related conditions. ClinVar contains an entry for this variant (Variation ID: 1516835). Invitae Evidence Modeling of protein sequence and biophysical properties (such as structural, functional, and spatial information, amino acid conservation, physicochemical variation, residue mobility, and thermodynamic stability) indicates that this missense variant is not expected to disrupt PTCH2 protein function with a negative predictive value of 80%. In summary, the available evidence is currently insufficient to determine the role of this variant in disease. Therefore, it has been classified as a Variant of Uncertain Significance.